The following is an entry in ClinVar:

ClinVar aggregate classification (germline): Benign/Likely benign. Review status: criteria provided, multiple submitters, no conflicts (2 of 4 stars). 13 submissions from 13 submitters: Benign (8); Likely benign (2). 3 of the submissions do not count toward it. Last evaluated 2026-02-04.

Conditions:
Primary ciliary dyskinesia. Also called: Ciliary dyskinesia. Identifiers: Orphanet 244, MedGen C0008780, MONDO:0016575, HP:0012265.
Kartagener syndrome (CILD1). Also called: IMMOTILE CILIA SYNDROME; CILIARY DYSKINESIA, PRIMARY, 1; POLYNESIAN BRONCHIECTASIS; CILIARY DYSKINESIA, PRIMARY, 1, WITH OR WITHOUT SITUS INVERSUS; Dextrocardia bronchiectasis and sinusitis; SIEWERT SYNDROME. Identifiers: Orphanet 244, MedGen C4551906, MONDO:0009484, OMIM 244400.

Allele frequency attached by ClinVar (database versions not stated): 1000 Genomes Project 0.17652; 1000 Genomes Project 30x 0.18192; gnomAD 0.19597 and 0.20136; TOPMed 0.20150; ESP Exome Variant Server 0.20975.
gnomAD v4.1: 247,800 of 1,613,248 alleles (15%); highest among the groups gnomAD compares: African/African-American, 33%; 20,995 homozygotes.

Submissions (13):

Labcorp Genetics (formerly Invitae), Labcorp
Classification: Benign for Primary ciliary dyskinesia. Last evaluated: 2026-02-04. Review status: criteria provided, single submitter. Criteria: Invitae Variant Classification Sherloc (09022015). Collection method: clinical testing. Allele origin: germline.

Women's Health and Genetics/Laboratory Corporation of America, LabCorp
Classification: Likely benign. Last evaluated: 2025-12-15. Review status: criteria provided, single submitter. Criteria: LabCorp Variant Classification Summary - May 2015. Collection method: clinical testing. Allele origin: germline.

Blueprint Genetics
Classification: Benign. Last evaluated: 2024-11-27. Review status: criteria provided, single submitter. Criteria: ACMG Guidelines, 2015. Collection method: clinical testing. Allele origin: germline.

Mayo Clinic Laboratories, Mayo Clinic
Classification: Benign. Last evaluated: 2022-04-26. Review status: criteria provided, single submitter. Criteria: ACMG Guidelines, 2015. Collection method: clinical testing. Allele origin: germline. Observed: 64 variant alleles.

Genome-Nilou Lab
Classification: Benign for Kartagener syndrome. Last evaluated: 2021-07-01. Review status: criteria provided, single submitter. Criteria: ACMG Guidelines, 2015. Collection method: clinical testing. Allele origin: germline. Affected: no.

GeneDx
Classification: Benign. Last evaluated: 2018-11-27. Review status: criteria provided, single submitter. Criteria: GeneDx Variant Classification Process June 2021. Collection method: clinical testing. Allele origin: germline. Affected: yes.

Ambry Genetics
Classification: Benign for Primary ciliary dyskinesia. Last evaluated: 2014-12-11. Review status: criteria provided, single submitter. Criteria: Ambry Variant Classification Scheme 2023. Collection method: clinical testing. Allele origin: germline.

Laboratory for Molecular Medicine, Mass General Brigham Personalized Medicine
Classification: Benign. Last evaluated: 2013-02-21. Review status: criteria provided, single submitter. Criteria: LMM Criteria. Collection method: clinical testing. Allele origin: germline. Observed: 36 variant alleles.
Comment: Val335Ile in exon 11 of DNAI1: This variant is not expected to have clinical sig nificance because it has been identified in 32.2% (1420/4406) of African America n chromosomes from a broad population by the NHLBI Exome Sequencing Project (dbSNP rs11793196).

Breakthrough Genomics
Classification: Likely benign. Review status: criteria provided, single submitter. Criteria: ACMG Guidelines, 2015. Collection method: not provided. Allele origin: germline. Inheritance: Autosomal recessive inheritance. Affected: yes.

PreventionGenetics, part of Exact Sciences
Classification: Benign. Review status: criteria provided, single submitter. Criteria: ACMG Guidelines, 2015. Collection method: clinical testing. Allele origin: germline.

Natera, Inc.
Classification: Benign for Primary ciliary dyskinesia. Last evaluated: 2020-09-16. Review status: no assertion criteria provided. Collection method: clinical testing. Allele origin: germline. Not counted in ClinVar's aggregate classification.

Clinical Genetics DNA and cytogenetics Diagnostics Lab, Erasmus MC, Erasmus Medical Center
Classification: Benign. Review status: no assertion criteria provided. Collection method: clinical testing. Allele origin: germline. Affected: yes. Study: VKGL Data-share Consensus. Not counted in ClinVar's aggregate classification.

Diagnostic Laboratory, Department of Genetics, University Medical Center Groningen
Classification: Benign for Kartagener syndrome. Review status: no assertion criteria provided. Collection method: clinical testing. Allele origin: germline. Affected: yes. Study: VKGL Data-share Consensus. Not counted in ClinVar's aggregate classification.

Literature cited by the submitters: PubMed 38589703 (cited by Mayo Clinic Laboratories, Mayo Clinic).

NM_012144.4(DNAI1):c.1003G>A (p.Val335Ile)

Gene: DNAI1 (dynein axonemal intermediate chain 1; plus strand). Cytogenetic location: 9p13.3.
Variant type: single nucleotide variant.
Coding change: c.1003G>A on transcript NM_012144.4 (MANE Select); coding-DNA position 1003, G replaced by A.
Protein change: p.Val335Ile; replaces valine 335 with isoleucine.
Molecular consequence: missense variant.
Genome position (GRCh38, 1-based): chr9:34,500,823, G>A. VCF-style: chr9-34500823-G-A. GRCh37 (hg19) VCF-style: chr9-34500821-G-A.
Other names: c.1015G>A, p.Val339Ile (NM_001281428.2); short protein forms V335I, V339I.
Identifiers: ClinVar variation 163164 (VCV000163164.33), dbSNP rs11793196, ClinGen allele CA175818.
Genomic context (GRCh38, chr9:34,500,823, plus strand): 5'-CAGGTGGGTACCCTGCTGCCGCTCTGGAAGTTCCAAAATGACAAAGCCAAGCGCCTGTCC[G>A]TCACTGCCCTCTGCTGGTAAGTATAGGCATTGCAGCAAATGCAGAGCCCCTGAGTGCCCT-3'
Protein context (NP_036276.1, residues 325-345): FQNDKAKRLS[Val335Ile]TALCWNPKYR